The following is an entry in ClinVar:

NM_153603.4(COG7):c.1405dup (p.Ile469fs)

Gene: COG7 (component of oligomeric golgi complex 7; minus strand). Cytogenetic location: 16p12.2.
Variant type: Duplication.
Coding change: c.1405dup on transcript NM_153603.4 (MANE Select); coding-DNA position 1405, one base duplicated (A; older notation c.1405dupA).
Protein change: p.Ile469fs; shifts the reading frame from isoleucine 469.
Molecular consequence: frameshift variant.
Genome position (GRCh38, 1-based): chr16:23,413,452, T duplicated on the plus strand (A on the coding strand, the reverse complement: COG7 is on the minus strand). VCF-style (leftmost placement, unchanged base first): chr16-23413451-A-AT. GRCh37 (hg19) VCF-style: chr16-23424772-A-AT.
Other names: short protein forms I469fs.
Identifiers: ClinVar variation 4994671 (VCV004994671.1).

ClinVar aggregate classification (germline): Uncertain significance (1 of 4 stars; one submission).

Conditions:
COG7-related disorder. Also called: COG7-related condition.

Submission:

PreventionGenetics, part of Exact Sciences
Classification: Uncertain significance for COG7-related condition. Last evaluated: 2026-09-21. Review status: criteria provided, single submitter. Criteria: ACMG Guidelines, 2015. Collection method: clinical testing. Allele origin: germline.
Comment: The COG7 c.1405dupA variant is predicted to result in a frameshift and premature protein termination (p.Ile469Asnfs*2). To our knowledge, this variant has not been reported in the literature. This variant is reported in 0.011% of alleles in individuals of East Asian descent in gnomAD. Loss-of-function is not an established mechanism of disease for COG7. At this time, the clinical significance of this variant is uncertain due to the absence of conclusive functional and genetic evidence.